The following is an entry in ClinVar:

NM_006389.5(HYOU1):c.2303G>A (p.Arg768His)

Gene: HYOU1 (hypoxia up-regulated 1; minus strand). Cytogenetic location: 11q23.3.
Variant type: single nucleotide variant.
Coding change: c.2303G>A on transcript NM_006389.5 (MANE Select); coding-DNA position 2303, G replaced by A.
Protein change: p.Arg768His; replaces arginine 768 with histidine.
Molecular consequence: missense variant.
Genome position (GRCh38, 1-based): chr11:119,048,321, C>T on the plus strand (G>A on the coding strand, the complement: HYOU1 is on the minus strand). VCF-style: chr11-119048321-C-T. GRCh37 (hg19) VCF-style: chr11-118919033-C-T.
Other names: c.2303G>A, p.Arg768His (NM_001130991.3); c.2303G>A (NM_006389.3); short protein forms R768H.
Identifiers: ClinVar variation 1362655 (VCV001362655.9), dbSNP rs144328288, ClinGen allele CA229618618.

ClinVar aggregate classification (germline): Uncertain significance. Review status: criteria provided, multiple submitters, no conflicts (2 of 4 stars). 2 submissions from 2 submitters: Uncertain significance (2). Last evaluated 2025-08-03.

Allele frequency attached by ClinVar (database versions not stated): TOPMed 0.00008; gnomAD 0.00009 and 0.00010; 1000 Genomes Project 30x 0.00062.
gnomAD v4.1: 86 of 1,610,700 alleles (0.0053%); highest among the groups gnomAD compares: East Asian, 0.089%; no homozygotes.

Submissions (2):

Ambry Genetics
Classification: Uncertain significance. Last evaluated: 2025-08-03. Review status: criteria provided, single submitter. Criteria: Ambry Variant Classification Scheme 2023. Collection method: clinical testing. Allele origin: germline.

Labcorp Genetics (formerly Invitae), Labcorp
Classification: Uncertain significance. Last evaluated: 2025-06-17. Review status: criteria provided, single submitter. Criteria: Invitae Variant Classification Sherloc (09022015). Collection method: clinical testing. Allele origin: germline.
Comment: This sequence change replaces arginine, which is basic and polar, with histidine, which is basic and polar, at codon 768 of the HYOU1 protein (p.Arg768His). This variant is present in population databases (rs144328288, gnomAD 0.1%), and has an allele count higher than expected for a pathogenic variant. This variant has not been reported in the literature in individuals affected with HYOU1-related conditions. ClinVar contains an entry for this variant (Variation ID: 1362655). Experimental studies and prediction algorithms are not available or were not evaluated, and the functional significance of this variant is currently unknown. In summary, the available evidence is currently insufficient to determine the role of this variant in disease. Therefore, it has been classified as a Variant of Uncertain Significance.